The following is an entry in ClinVar:

ClinVar aggregate classification (germline): Likely benign. Review status: criteria provided, multiple submitters, no conflicts (2 of 4 stars). 7 submissions from 7 submitters: Likely benign (6). 1 of the submissions does not count toward it. Last evaluated 2026-02-03.

Conditions:
Hereditary cancer-predisposing syndrome. Also called: Tumor predisposition; Hereditary neoplastic syndrome; Neoplastic Syndromes, Hereditary; Hereditary Cancer Syndrome. Identifiers: Orphanet 140162, MedGen C0027672, MeSH D009386, MONDO:0015356.
Familial adenomatous polyposis 2. Also called: Adenomas, multiple colorectal; MUTYH-associated polyposis; MUTYH-related attenuated familial adenomatous polyposis; MUTYH Polyposis; COLORECTAL ADENOMATOUS POLYPOSIS, AUTOSOMAL RECESSIVE; ADENOMAS, MULTIPLE COLORECTAL, AUTOSOMAL RECESSIVE. Identifiers: Orphanet 220460, Orphanet 247798, MedGen C3272841, MONDO:0012041, OMIM 608456.

Allele frequency attached by ClinVar (database versions not stated): gnomAD exomes 0.00001 and below 0.00001; ExAC 0.00001; gnomAD 0.00001; TOPMed 0.00001.
gnomAD v4.1: 12 of 1,614,056 alleles (0.00074%); highest among the groups gnomAD compares: Non-Finnish European, 0.00093%; no homozygotes.

Submissions (7):

Labcorp Genetics (formerly Invitae), Labcorp
Classification: Likely benign for Familial adenomatous polyposis 2. Last evaluated: 2026-02-03. Review status: criteria provided, single submitter. Criteria: Invitae Variant Classification Sherloc (09022015). Collection method: clinical testing. Allele origin: germline.

All of Us Research Program, National Institutes of Health
Classification: Likely benign for Familial adenomatous polyposis 2. Last evaluated: 2024-08-13. Review status: criteria provided, single submitter. Criteria: ACMG Guidelines, 2015. Collection method: clinical testing. Allele origin: germline. Inheritance: Autosomal recessive inheritance. Observed: 1 variant allele, 1 heterozygote.
Comment: This study involves interpretation of variants in research participants for the purpose of population health screening. Participant phenotype was not available at the time of variant classification. Additional details can be found in publication PMID: 35346344, PMCID: PMC8962531

Department of Pathology and Laboratory Medicine, Sinai Health System
Classification: Likely benign for Familial adenomatous polyposis 2. Last evaluated: 2020-11-25. Review status: criteria provided, single submitter. Criteria: ACMG Guidelines, 2015. Collection method: clinical testing. Allele origin: germline. Affected: yes.

GeneDx
Classification: Likely benign. Last evaluated: 2019-11-26. Review status: criteria provided, single submitter. Criteria: GeneDx Variant Classification Process June 2021. Collection method: clinical testing. Allele origin: germline. Affected: yes.

Color Diagnostics, LLC DBA Color Health
Classification: Likely benign for Hereditary cancer-predisposing syndrome. Last evaluated: 2016-09-30. Review status: criteria provided, single submitter. Criteria: ACMG Guidelines, 2015. Collection method: clinical testing. Allele origin: germline.

Ambry Genetics
Classification: Likely benign for Hereditary cancer-predisposing syndrome. Last evaluated: 2015-04-13. Review status: criteria provided, single submitter. Criteria: Ambry Variant Classification Scheme 2023. Collection method: clinical testing. Allele origin: germline.

Counsyl
Classification: Likely benign for Familial adenomatous polyposis 2. Last evaluated: 2015-12-13. Review status: no assertion criteria provided. Collection method: clinical testing. Allele origin: unknown. Not counted in ClinVar's aggregate classification.

NM_001048174.2(MUTYH):c.798C>T (p.Arg266=)

Gene: MUTYH (mutY DNA glycosylase; minus strand). Cytogenetic location: 1p34.1.
Variant type: single nucleotide variant.
Coding change: c.798C>T on transcript NM_001048174.2 (MANE Select); coding-DNA position 798, C replaced by T.
Protein change: p.Arg266=; no amino-acid change (arginine 266 retained).
Molecular consequence: synonymous variant. On other transcripts: non-coding transcript variant (2).
Genome position (GRCh38, 1-based): chr1:45,332,217, G>A on the plus strand (C>T on the coding strand, the complement: MUTYH is on the minus strand). VCF-style: chr1-45332217-G-A. GRCh37 (hg19) VCF-style: chr1-45797889-G-A.
Other names: c.798C>T, p.Arg266= (NM_001048171.2, NM_001048173.2, NM_001293195.2); c.801C>T, p.Arg267= (NM_001048172.2); c.882C>T, p.Arg294= (NM_001128425.2); c.843C>T, p.Arg281= (NM_001293190.2); c.831C>T, p.Arg277= (NM_001293191.2); c.522C>T, p.Arg174= (NM_001293192.2, NM_001293196.2); c.453C>T, p.Arg151= (NM_001350650.2, NM_001350651.2); c.873C>T, p.Arg291= (NM_012222.3).
Identifiers: ClinVar variation 135991 (VCV000135991.25), dbSNP rs587780750, ClinGen allele CA014546.
Genomic context (GRCh38, chr1:45,332,217, plus strand): 5'-TAGGCTTACTCTCTGGCGTGCCCGGCACAGGCTCTCCACAGGGCACTGGCTGCACAGTGG[G>A]CGCTGTGGGGTACACACTGTGGCCCCTAGCTCCATGGCTGCTTGGTTGAAATCTCCTGGC-3'
Protein context (NP_001041639.1, residues 256-276): ELGATVCTPQ[Arg266=]PLCSQCPVES